The following is an entry in ClinVar:

NM_183381.3(RNF13):c.687del (p.His229fs)

Gene: RNF13 (ring finger protein 13; plus strand). Cytogenetic location: 3q25.1.
Variant type: Deletion.
Coding change: c.687del on transcript NM_183381.3 (MANE Select); coding-DNA position 687, one base deleted (T; older notation c.687delT).
Protein change: p.His229fs; shifts the reading frame from histidine 229.
Molecular consequence: frameshift variant. On other transcripts: non-coding transcript variant (1).
Genome position (GRCh38, 1-based): chr3:149,921,214, T deleted. VCF-style (leftmost placement, unchanged base first): chr3-149921213-AT-A. GRCh37 (hg19) VCF-style: chr3-149639000-AT-A.
Other names: c.687del, p.His229fs (NM_001378285.1, NM_001378286.1, NM_007282.4); c.330del, p.His110fs (NM_001378287.1, NM_001378288.1, NM_001378289.1 and 2 more transcripts); c.294del, p.His98fs (NM_001378291.1); short protein forms H229fs, H98fs, H110fs.
Identifiers: ClinVar variation 2769745 (VCV002769745.3), dbSNP rs2473494035, ClinGen allele CA2697556906.

ClinVar aggregate classification (germline): Uncertain significance (1 of 4 stars; one submission).

Submission:

Labcorp Genetics (formerly Invitae), Labcorp
Classification: Uncertain significance. Last evaluated: 2023-10-18. Review status: criteria provided, single submitter. Criteria: Invitae Variant Classification Sherloc (09022015). Collection method: clinical testing. Allele origin: germline.
Comment: This sequence change creates a premature translational stop signal (p.His229Glnfs*39) in the RNF13 gene. While this is not anticipated to result in nonsense mediated decay, it is expected to disrupt the last 153 amino acid(s) of the RNF13 protein. This variant is not present in population databases (gnomAD no frequency). This variant has not been reported in the literature in individuals affected with RNF13-related conditions. Experimental studies and prediction algorithms are not available or were not evaluated, and the functional significance of this variant is currently unknown. In summary, the available evidence is currently insufficient to determine the role of this variant in disease. Therefore, it has been classified as a Variant of Uncertain Significance.